The following is an entry in ClinVar:

ClinVar aggregate classification (germline): Benign (1 of 4 stars; one submission).

Allele frequency attached by ClinVar (database versions not stated): 1000 Genomes Project 30x 0.45394; 1000 Genomes Project 0.46166; TOPMed 0.51057; gnomAD 0.52845 and 0.53508.
gnomAD v4.1: 81,507 of 152,090 alleles (54%); highest among the groups gnomAD compares: Middle Eastern, 71%; 25,675 homozygotes.

Submission:

GeneDx
Classification: Benign. Last evaluated: 2018-06-18. Review status: criteria provided, single submitter. Criteria: GeneDx Variant Classification (06012015). Collection method: clinical testing. Allele origin: germline. Affected: yes.
Comment: This variant is considered likely benign or benign based on one or more of the following criteria: it is a conservative change, it occurs at a poorly conserved position in the protein, it is predicted to be benign by multiple in silico algorithms, and/or has population frequency not consistent with disease.

NM_001035.3(RYR2):c.9129-319G>T

Gene: RYR2 (ryanodine receptor 2; plus strand). Cytogenetic location: 1q43.
Variant type: single nucleotide variant.
Coding change: c.9129-319G>T on transcript NM_001035.3 (MANE Select); 319 bases into the intron before coding-DNA position 9129, G replaced by T.
Molecular consequence: intron variant.
Genome position (GRCh38, 1-based): chr1:237,699,910, G>T. VCF-style: chr1-237699910-G-T. GRCh37 (hg19) VCF-style: chr1-237863210-G-T.
Identifiers: ClinVar variation 683794 (VCV000683794.1), dbSNP rs10925498, ClinGen allele CA10861624.
Genomic context (GRCh38, chr1:237,699,910, plus strand): 5'-GCATGAAATTTTTTTTGCTACTCATTGCCTCAGGAAACATTCTAGTTTTGTTGGATTTCG[G>T]ATTAACTATACTCACTCAGAAGCTGTGTTTTGTTAGTTAAATTGGAGACCGTTAGTGATA-3'